The following is an entry in ClinVar:

NM_005876.5(SPEG):c.7354G>A (p.Ala2452Thr)

Genes: ASIC4-AS1 (ASIC4 antisense RNA 1; minus strand), SPEG (striated muscle enriched protein kinase; plus strand). Cytogenetic location: 2q35.
Variant type: single nucleotide variant.
Coding change: c.7354G>A on transcript NM_005876.5 (MANE Select); coding-DNA position 7354, G replaced by A.
Protein change: p.Ala2452Thr; replaces alanine 2452 with threonine.
Molecular consequence: missense variant.
Genome position (GRCh38, 1-based): chr2:219,484,817, G>A. VCF-style: chr2-219484817-G-A. GRCh37 (hg19) VCF-style: chr2-220349539-G-A.
Other names: short protein forms A2452T.
Identifiers: ClinVar variation 1408068 (VCV001408068.6), dbSNP rs892268073, ClinGen allele CA65992466.
Genomic context (GRCh38, chr2:219,484,817, plus strand): 5'-CGCGGCGGGGACGGAGAGAGCTCGGAGGGCGGGAGCTCGGCGCGGGGCTCCCCGGTGCTG[G>A]CGATGCGCAGGCGGCTGAGCTTCACCCTGGAGCGGCTGTCCAGCCGATTGCAGCGCAGTG-3'
Protein context (NP_005867.3, residues 2442-2462): GSSARGSPVL[Ala2452Thr]MRRRLSFTLE

ClinVar aggregate classification (germline): Uncertain significance (1 of 4 stars; one submission).

Allele frequency attached by ClinVar (database versions not stated): gnomAD 0.00001; gnomAD exomes 0.00002; TOPMed 0.00002.
gnomAD v4.1: 19 of 1,498,816 alleles (0.0013%); highest among the groups gnomAD compares: Admixed American, 0.0086%; no homozygotes.

Submission:

Labcorp Genetics (formerly Invitae), Labcorp
Classification: Uncertain significance. Last evaluated: 2022-08-16. Review status: criteria provided, single submitter. Criteria: Invitae Variant Classification Sherloc (09022015). Collection method: clinical testing. Allele origin: germline.
Comment: This sequence change replaces alanine, which is neutral and non-polar, with threonine, which is neutral and polar, at codon 2452 of the SPEG protein (p.Ala2452Thr). The frequency data for this variant in the population databases is considered unreliable, as metrics indicate poor data quality at this position in the gnomAD database. This variant has not been reported in the literature in individuals affected with SPEG-related conditions. ClinVar contains an entry for this variant (Variation ID: 1408068). Algorithms developed to predict the effect of missense changes on protein structure and function output the following: SIFT: "Deleterious"; PolyPhen-2: "Benign"; Align-GVGD: "Class C0". The threonine amino acid residue is found in multiple mammalian species, which suggests that this missense change does not adversely affect protein function. In summary, the available evidence is currently insufficient to determine the role of this variant in disease. Therefore, it has been classified as a Variant of Uncertain Significance.